The following is an entry in ClinVar:

NM_000722.4(CACNA2D1):c.1735-6T>C

Gene: CACNA2D1 (calcium voltage-gated channel auxiliary subunit alpha2delta 1; minus strand). Cytogenetic location: 7q21.11.
Variant type: single nucleotide variant.
Coding change: c.1735-6T>C on transcript NM_000722.4 (MANE Select); 6 bases into the intron before coding-DNA position 1735, T replaced by C.
Molecular consequence: intron variant.
Genome position (GRCh38, 1-based): chr7:81,991,252, A>G on the plus strand (T>C on the coding strand, the complement: CACNA2D1 is on the minus strand). VCF-style: chr7-81991252-A-G. GRCh37 (hg19) VCF-style: chr7-81620568-A-G.
Other names: c.1735-6T>C (LRG_437t1); c.1792-6T>C (NM_001366867.1).
Identifiers: ClinVar variation 511685 (VCV000511685.12), dbSNP rs111772206, ClinGen allele CA4317916.

ClinVar aggregate classification (germline): Benign/Likely benign. Review status: criteria provided, multiple submitters, no conflicts (2 of 4 stars). 4 submissions from 4 submitters: Benign (1); Likely benign (2). 1 of the submissions does not count toward it. Last evaluated 2026-01-26.

Conditions:
CACNA2D1-related disorder. Also called: CACNA2D1-related condition.
Brugada syndrome. Also called: Sudden Unexplained Death Syndrome; Sudden Unexplained Nocturnal Death Syndrome (SUNDS); Sudden unexpected nocturnal death syndrome; Sudden unexplained nocturnal death syndrome. Identifiers: Orphanet 130, MedGen C1142166, MONDO:0015263.

Allele frequency attached by ClinVar (database versions not stated): gnomAD exomes 0.00006 and 0.00016; ExAC 0.00017; 1000 Genomes Project 30x 0.00031; 1000 Genomes Project 0.00040; TOPMed 0.00074; ESP Exome Variant Server 0.00077; gnomAD 0.00084.
gnomAD v4.1: 224 of 1,448,450 alleles (0.015%); highest among the groups gnomAD compares: African/African-American, 0.24%; 1 homozygote.

Submissions (4):

Labcorp Genetics (formerly Invitae), Labcorp
Classification: Benign for Brugada syndrome. Last evaluated: 2026-01-26. Review status: criteria provided, single submitter. Criteria: Invitae Variant Classification Sherloc (09022015). Collection method: clinical testing. Allele origin: germline.

GeneDx
Classification: Likely benign. Last evaluated: 2017-08-23. Review status: criteria provided, single submitter. Criteria: GeneDx Variant Classification (06012015). Collection method: clinical testing. Allele origin: germline. Affected: yes.
Comment: This variant is considered likely benign or benign based on one or more of the following criteria: it is a conservative change, it occurs at a poorly conserved position in the protein, it is predicted to be benign by multiple in silico algorithms, and/or has population frequency not consistent with disease.

Breakthrough Genomics
Classification: Likely benign. Review status: criteria provided, single submitter. Criteria: ACMG Guidelines, 2015. Collection method: not provided. Allele origin: germline. Inheritance: Autosomal recessive inheritance. Affected: yes.

PreventionGenetics, part of Exact Sciences
Classification: Likely benign for CACNA2D1-related condition. Last evaluated: 2024-08-23. Review status: no assertion criteria provided. Collection method: clinical testing. Allele origin: germline. Not counted in ClinVar's aggregate classification.
Comment: This variant is classified as likely benign based on ACMG/AMP sequence variant interpretation guidelines (Richards et al. 2015 PMID: 25741868, with internal and published modifications).